The following is an entry in ClinVar:

NM_032776.3(JMJD1C):c.4175G>T (p.Cys1392Phe)

Gene: JMJD1C (jumonji domain containing 1C; minus strand). Cytogenetic location: 10q21.3.
Variant type: single nucleotide variant.
Coding change: c.4175G>T on transcript NM_032776.3 (MANE Select); coding-DNA position 4175, G replaced by T.
Protein change: p.Cys1392Phe; replaces cysteine 1392 with phenylalanine.
Molecular consequence: missense variant. On other transcripts: non-coding transcript variant (1).
Genome position (GRCh38, 1-based): chr10:63,207,494, C>A on the plus strand (G>T on the coding strand, the complement: JMJD1C is on the minus strand). VCF-style: chr10-63207494-C-A. GRCh37 (hg19) VCF-style: chr10-64967254-C-A.
Other names: c.3629G>T, p.Cys1210Phe (NM_001282948.2, NM_001318154.2); c.3311G>T, p.Cys1104Phe (NM_001318153.2); c.4061G>T, p.Cys1354Phe (NM_001322252.2); c.3518G>T, p.Cys1173Phe (NM_001322254.2, NM_001322258.2); short protein forms C1104F, C1210F, C1354F, C1173F, C1392F.
Identifiers: ClinVar variation 1041297 (VCV001041297.8), dbSNP rs1846777353, ClinGen allele CA377038338.
Genomic context (GRCh38, chr10:63,207,494, plus strand): 5'-CCCCAGCTGGAAACACTGGTAGTATCGGCAGCAGATGTGATTACATCCGTTTTGGTATTA[C>A]ACATCGTATTTACAGCAGACATGACTGAACTGGGAACACTGCCCTGTGAGACAGCCTGAA-3'
Protein context (NP_116165.1, residues 1382-1402): SSVMSAVNTM[Cys1392Phe]NTKTDVITSA

ClinVar aggregate classification (germline): Uncertain significance (1 of 4 stars; one submission).

Conditions:
Early Myoclonic Encephalopathy. Identifiers: MedGen C0270855.

Allele frequency attached by ClinVar (database versions not stated): gnomAD 0.00001.
gnomAD v4.1: 1 of 1,614,090 alleles (0.000062%); highest among the groups gnomAD compares: Admixed American, 0.0017%; no homozygotes.

Submission:

Labcorp Genetics (formerly Invitae), Labcorp
Classification: Uncertain significance for Early Myoclonic Encephalopathy. Last evaluated: 2020-09-30. Review status: criteria provided, single submitter. Criteria: Invitae Variant Classification Sherloc (09022015). Collection method: clinical testing. Allele origin: germline.
Comment: Algorithms developed to predict the effect of missense changes on protein structure and function are either unavailable or do not agree on the potential impact of this missense change (SIFT: "Deleterious"; PolyPhen-2: "Possibly Damaging"; Align-GVGD: "Class C0"). In summary, the available evidence is currently insufficient to determine the role of this variant in disease. Therefore, it has been classified as a Variant of Uncertain Significance. This variant has not been reported in the literature in individuals with JMJD1C-related conditions. This variant is not present in population databases (ExAC no frequency). This sequence change replaces cysteine with phenylalanine at codon 1392 of the JMJD1C protein (p.Cys1392Phe). The cysteine residue is moderately conserved and there is a large physicochemical difference between cysteine and phenylalanine.